The following is an entry in ClinVar:

ClinVar aggregate classification (germline): Uncertain significance. Review status: criteria provided, multiple submitters, no conflicts (2 of 4 stars). 6 submissions from 6 submitters: Uncertain significance (6). Last evaluated 2025-12-24.

Conditions:
Hereditary cancer-predisposing syndrome. Also called: Hereditary neoplastic syndrome; Neoplastic Syndromes, Hereditary; Hereditary Cancer Syndrome; Tumor predisposition. Identifiers: Orphanet 140162, MedGen C0027672, MeSH D009386, MONDO:0015356.
Familial cancer of breast. Also called: hereditary breast carcinoma; BREAST CANCER, FAMILIAL; Hereditary breast cancer. Identifiers: Orphanet 227535, MedGen C0346153, MONDO:0016419, OMIM 114480. Disease mechanism: loss of function.
Fanconi anemia complementation group J. Also called: BRIP1-Related Fanconi Anemia. Identifiers: Orphanet 84, MedGen C1836860, MONDO:0012187, OMIM 609054.

Allele frequency attached by ClinVar (database versions not stated): gnomAD exomes below 0.00001 and 0.00001; TOPMed below 0.00001.
gnomAD v4.1: 2 of 1,614,104 alleles (0.00012%); highest among the groups gnomAD compares: Admixed American, 0.0033%; no homozygotes.

Submissions (6):

Ambry Genetics
Classification: Uncertain significance for Hereditary cancer-predisposing syndrome. Last evaluated: 2025-12-24. Review status: criteria provided, single submitter. Criteria: Ambry Variant Classification Scheme 2023. Collection method: clinical testing. Allele origin: germline.

Labcorp Genetics (formerly Invitae), Labcorp
Classification: Uncertain significance for Familial cancer of breast; Fanconi anemia complementation group J. Last evaluated: 2025-08-01. Review status: criteria provided, single submitter. Criteria: Invitae Variant Classification Sherloc (09022015). Collection method: clinical testing. Allele origin: germline.
Comment: This sequence change replaces glycine, which is neutral and non-polar, with arginine, which is basic and polar, at codon 657 of the BRIP1 protein (p.Gly657Arg). This variant is present in population databases (no rsID available, gnomAD 0.006%). This variant has not been reported in the literature in individuals affected with BRIP1-related conditions. ClinVar contains an entry for this variant (Variation ID: 576431). Invitae Evidence Modeling of protein sequence and biophysical properties (such as structural, functional, and spatial information, amino acid conservation, physicochemical variation, residue mobility, and thermodynamic stability) has been performed for this missense variant. However, the output from this modeling did not meet the statistical confidence thresholds required to predict the impact of this variant on BRIP1 protein function. In summary, the available evidence is currently insufficient to determine the role of this variant in disease. Therefore, it has been classified as a Variant of Uncertain Significance.

Color Diagnostics, LLC DBA Color Health
Classification: Uncertain significance for Hereditary cancer-predisposing syndrome. Last evaluated: 2024-03-06. Review status: criteria provided, single submitter. Criteria: ACMG Guidelines, 2015. Collection method: clinical testing. Allele origin: germline.
Comment: This missense variant replaces glycine with arginine at codon 657 of the BRIP1 protein. Computational prediction is inconclusive regarding the impact of this variant on protein structure and function (internally defined REVEL score threshold 0.5 < inconclusive < 0.7, PMID: 27666373). To our knowledge, functional studies have not been reported for this variant. This variant has not been reported in individuals affected with hereditary cancer in the literature. This variant has been identified in 2/251328 chromosomes in the general population by the Genome Aggregation Database (gnomAD). The available evidence is insufficient to determine the role of this variant in disease conclusively. Therefore, this variant is classified as a Variant of Uncertain Significance.

Baylor Genetics
Classification: Uncertain significance for Familial cancer of breast. Last evaluated: 2023-10-07. Review status: criteria provided, single submitter. Criteria: ACMG Guidelines, 2015. Collection method: clinical testing. Allele origin: unknown.

GeneDx
Classification: Uncertain significance. Last evaluated: 2023-08-17. Review status: criteria provided, single submitter. Criteria: GeneDx Variant Classification Process June 2021. Collection method: clinical testing. Allele origin: germline. Affected: yes.
Comment: Not observed at significant frequency in large population cohorts (gnomAD); In silico analysis supports that this missense variant has a deleterious effect on protein structure/function; Has not been previously published as pathogenic or benign to our knowledge

Blueprint Genetics
Classification: Uncertain significance. Last evaluated: 2019-09-06. Review status: criteria provided, single submitter. Criteria: ACMG Guidelines, 2015. Collection method: clinical testing. Allele origin: germline.

NM_032043.3(BRIP1):c.1969G>C (p.Gly657Arg)

Gene: BRIP1 (BRCA1 interacting DNA helicase 1; minus strand). Cytogenetic location: 17q23.2.
Variant type: single nucleotide variant.
Coding change: c.1969G>C on transcript NM_032043.3 (MANE Select); coding-DNA position 1969, G replaced by C.
Protein change: p.Gly657Arg; replaces glycine 657 with arginine.
Molecular consequence: missense variant.
Genome position (GRCh38, 1-based): chr17:61,776,529, C>G on the plus strand (G>C on the coding strand, the complement: BRIP1 is on the minus strand). VCF-style: chr17-61776529-C-G. GRCh37 (hg19) VCF-style: chr17-59853890-C-G.
Other names: short protein forms G657R.
Identifiers: ClinVar variation 576431 (VCV000576431.21), dbSNP rs1051619247, ClinGen allele CA292280861.